The following is an entry in ClinVar:

NM_198282.4(STING1):c.817C>T (p.Gln273Ter)

Gene: STING1 (stimulator of interferon response cGAMP interactor 1; minus strand). Cytogenetic location: 5q31.2.
Variant type: single nucleotide variant.
Coding change: c.817C>T on transcript NM_198282.4 (MANE Select); coding-DNA position 817, C replaced by T.
Protein change: p.Gln273Ter; replaces glutamine 273 with a stop codon.
Molecular consequence: nonsense. On other transcripts: intron variant (1).
Genome position (GRCh38, 1-based): chr5:139,477,458, G>A on the plus strand (C>T on the coding strand, the complement: STING1 is on the minus strand). VCF-style: chr5-139477458-G-A. GRCh37 (hg19) VCF-style: chr5-138857043-G-A.
Other names: c.460C>T, p.Gln154Ter (NM_001367258.1); c.759+812C>T (NM_001301738.2); short protein forms Q154*, Q273*.
Identifiers: ClinVar variation 4708802 (VCV004708802.1).

ClinVar aggregate classification (germline): Uncertain significance (1 of 4 stars; one submission).

Conditions:
STING-associated vasculopathy with onset in infancy. Also called: Sting-associated vasculopathy, infantile-onset. Identifiers: Orphanet 425120, MedGen C4014722, MONDO:0014405, OMIM 615934.

Submission:

Labcorp Genetics (formerly Invitae), Labcorp
Classification: Uncertain significance for STING-associated vasculopathy with onset in infancy. Last evaluated: 2025-06-17. Review status: criteria provided, single submitter. Criteria: Invitae Variant Classification Sherloc (09022015). Collection method: clinical testing. Allele origin: germline.
Comment: This sequence change creates a premature translational stop signal (p.Gln273*) in the TMEM173 gene. It is expected to result in an absent or disrupted protein product. However, the current clinical and genetic evidence is not sufficient to establish whether loss-of-function variants in TMEM173 cause disease. This variant is present in population databases (rs374460516, gnomAD 0.0009%). This variant has not been reported in the literature in individuals affected with TMEM173-related conditions. In summary, the available evidence is currently insufficient to determine the role of this variant in disease. Therefore, it has been classified as a Variant of Uncertain Significance.